The following is an entry in ClinVar:

ClinVar aggregate classification (germline): Uncertain significance (1 of 4 stars; one submission).

Conditions:
Hereditary spastic paraplegia 53. Also called: Spastic paraplegia 53, autosomal recessive. Identifiers: Orphanet 319199, MedGen C3539494, MONDO:0013962, OMIM 614898.

gnomAD v4.1: 2 of 1,614,156 alleles (0.00012%); highest among the groups gnomAD compares: Non-Finnish European, 0.00017%; no homozygotes.

Submission:

Labcorp Genetics (formerly Invitae), Labcorp
Classification: Uncertain significance for Hereditary spastic paraplegia 53. Last evaluated: 2024-11-09. Review status: criteria provided, single submitter. Criteria: Invitae Variant Classification Sherloc (09022015). Collection method: clinical testing. Allele origin: germline.
Comment: This sequence change replaces threonine, which is neutral and polar, with serine, which is neutral and polar, at codon 178 of the VPS37A protein (p.Thr178Ser). This variant is present in population databases (rs755073591, gnomAD 0.006%). This variant has not been reported in the literature in individuals affected with VPS37A-related conditions. Invitae Evidence Modeling of protein sequence and biophysical properties (such as structural, functional, and spatial information, amino acid conservation, physicochemical variation, residue mobility, and thermodynamic stability) indicates that this missense variant is not expected to disrupt VPS37A protein function with a negative predictive value of 80%. In summary, the available evidence is currently insufficient to determine the role of this variant in disease. Therefore, it has been classified as a Variant of Uncertain Significance.

NM_152415.3(VPS37A):c.533C>G (p.Thr178Ser)

Gene: VPS37A (VPS37A subunit of ESCRT-I; plus strand). Cytogenetic location: 8p22.
Variant type: single nucleotide variant.
Coding change: c.533C>G on transcript NM_152415.3 (MANE Select); coding-DNA position 533, C replaced by G.
Protein change: p.Thr178Ser; replaces threonine 178 with serine.
Molecular consequence: missense variant.
Genome position (GRCh38, 1-based): chr8:17,274,849, C>G. VCF-style: chr8-17274849-C-G. GRCh37 (hg19) VCF-style: chr8-17132358-C-G.
Other names: c.263C>G, p.Thr88Ser (NM_001363171.1, NM_001363172.2, NM_001363168.1 and 2 more transcripts); c.533C>G, p.Thr178Ser (NM_001363173.2, NM_001363167.1); c.458C>G, p.Thr153Ser (NM_001145152.2); short protein forms T153S, T88S, T178S.
Identifiers: ClinVar variation 3702754 (VCV003702754.2).